The following is an entry in ClinVar:

NM_032789.5(PARP10):c.2847G>A (p.Leu949=)

Gene: PARP10 (poly(ADP-ribose) polymerase family member 10; minus strand). Cytogenetic location: 8q24.3.
Variant type: single nucleotide variant.
Coding change: c.2847G>A on transcript NM_032789.5 (MANE Select); coding-DNA position 2847, G replaced by A.
Protein change: p.Leu949=; no amino-acid change (leucine 949 retained).
Molecular consequence: synonymous variant. On other transcripts: non-coding transcript variant (1).
Genome position (GRCh38, 1-based): chr8:143,977,715, C>T on the plus strand (G>A on the coding strand, the complement: PARP10 is on the minus strand). VCF-style: chr8-143977715-C-T. GRCh37 (hg19) VCF-style: chr8-145051883-C-T.
Other names: c.2883G>A, p.Leu961= (NM_001317895.2).
Identifiers: ClinVar variation 3771812 (VCV003771812.13).
Genomic context (GRCh38, chr8:143,977,715, plus strand): 5'-GCCAGGACCCCGCAGAGGGGGCGCCCGCAGACCGCGGCGGCCCTGCCCGTAGTCGCCAGT[C>T]AGCACCCGTGCCACGAACACCGCCTTATGGCCATCGGCGTTGGGGGGCGAGTAGCGGTCC-3'
Protein context (NP_116178.2, residues 939-959): GHKAVFVARV[Leu949=]TGDYGQGRRG

ClinVar aggregate classification (germline): Likely benign (1 of 4 stars; one submission).

gnomAD v4.1: 38 of 1,596,654 alleles (0.0024%); highest among the groups gnomAD compares: East Asian, 0.041%; no homozygotes.

Submission:

CeGaT Center for Human Genetics Tuebingen
Classification: Likely benign. Last evaluated: 2025-02-01. Review status: criteria provided, single submitter. Criteria: CeGaT Center For Human Genetics Tuebingen Variant Classification Criteria Version 2. Collection method: clinical testing. Allele origin: germline. Affected: yes. Observed: 1 variant allele.
Comment: PARP10: BP4